The following is an entry in ClinVar:

NM_001206927.2(DNAH8):c.1133A>G (p.Glu378Gly)

Gene: DNAH8 (dynein axonemal heavy chain 8; plus strand). Cytogenetic location: 6p21.2.
Variant type: single nucleotide variant.
Coding change: c.1133A>G on transcript NM_001206927.2 (MANE Select); coding-DNA position 1133, A replaced by G.
Protein change: p.Glu378Gly; replaces glutamic acid 378 with glycine.
Molecular consequence: missense variant.
Genome position (GRCh38, 1-based): chr6:38,741,727, A>G. VCF-style: chr6-38741727-A-G. GRCh37 (hg19) VCF-style: chr6-38709503-A-G.
Other names: c.482A>G, p.Glu161Gly (NM_001371.4); short protein forms E378G, E161G.
Identifiers: ClinVar variation 582176 (VCV000582176.8), dbSNP rs552179604, ClinGen allele CA3788147.
Genomic context (GRCh38, chr6:38,741,727, plus strand): 5'-AAGAATGTAACATTTCTATATTTTATAAATTTTTTTGACTGCAGGTACTTATTGAGAGTG[A>G]GCAGATGAGAAAAGAAGCTGGTGATTCAGGTCCACTCACTGAATTGGAACACTGGAAACG-3'
Protein context (NP_001193856.1, residues 368-388): KQIEQVLIES[Glu378Gly]QMRKEAGDSG

ClinVar aggregate classification (germline): Uncertain significance (1 of 4 stars; one submission).

Conditions:
Primary ciliary dyskinesia. Also called: Ciliary dyskinesia. Identifiers: Orphanet 244, MedGen C0008780, MONDO:0016575, HP:0012265.

Allele frequency attached by ClinVar (database versions not stated): gnomAD exomes below 0.00001; gnomAD 0.00001 and 0.00002; TOPMed 0.00001; ExAC 0.00002; 1000 Genomes Project 0.00040; 1000 Genomes Project 30x 0.00047.
gnomAD v4.1: 7 of 1,612,902 alleles (0.00043%); highest among the groups gnomAD compares: Admixed American, 0.01%; no homozygotes.

Submission:

Labcorp Genetics (formerly Invitae), Labcorp
Classification: Uncertain significance for Primary ciliary dyskinesia. Last evaluated: 2024-05-15. Review status: criteria provided, single submitter. Criteria: Invitae Variant Classification Sherloc (09022015). Collection method: clinical testing. Allele origin: germline.
Comment: This sequence change replaces glutamic acid, which is acidic and polar, with glycine, which is neutral and non-polar, at codon 378 of the DNAH8 protein (p.Glu378Gly). This variant is present in population databases (rs552179604, gnomAD 0.006%). This variant has not been reported in the literature in individuals affected with DNAH8-related conditions. ClinVar contains an entry for this variant (Variation ID: 582176). Experimental studies and prediction algorithms are not available or were not evaluated, and the functional significance of this variant is currently unknown. In summary, the available evidence is currently insufficient to determine the role of this variant in disease. Therefore, it has been classified as a Variant of Uncertain Significance.